The following is an entry in ClinVar:

NM_001018111.3(PODXL):c.319G>A (p.Val107Met)

Gene: PODXL (podocalyxin like; minus strand). Cytogenetic location: 7q32.3.
Variant type: single nucleotide variant.
Coding change: c.319G>A on transcript NM_001018111.3 (MANE Select); coding-DNA position 319, G replaced by A.
Protein change: p.Val107Met; replaces valine 107 with methionine.
Molecular consequence: missense variant.
Genome position (GRCh38, 1-based): chr7:131,511,215, C>T on the plus strand (G>A on the coding strand, the complement: PODXL is on the minus strand). VCF-style: chr7-131511215-C-T. GRCh37 (hg19) VCF-style: chr7-131195974-C-T.
Other names: c.319G>A, p.Val107Met (NM_005397.4); c.319G>A (NM_001018111.2); short protein forms V107M.
Identifiers: ClinVar variation 2151187 (VCV002151187.5), dbSNP rs201084731, ClinGen allele CA4488732.

ClinVar aggregate classification (germline): Uncertain significance. Review status: criteria provided, multiple submitters, no conflicts (2 of 4 stars). 2 submissions from 2 submitters: Uncertain significance (2). Last evaluated 2025-10-03.

Conditions:
Inborn genetic diseases. Identifiers: MedGen C0950123, MeSH D030342.

Allele frequency attached by ClinVar (database versions not stated): ExAC 0.00003; gnomAD 0.00005; gnomAD exomes 0.00007; TOPMed 0.00010.
gnomAD v4.1: 110 of 1,614,032 alleles (0.0068%); highest among the groups gnomAD compares: Middle Eastern, 0.4%; 1 homozygote.

Submissions (2):

Labcorp Genetics (formerly Invitae), Labcorp
Classification: Uncertain significance. Last evaluated: 2025-10-03. Review status: criteria provided, single submitter. Criteria: Invitae Variant Classification Sherloc (09022015). Collection method: clinical testing. Allele origin: germline.
Comment: This sequence change replaces valine, which is neutral and non-polar, with methionine, which is neutral and non-polar, at codon 107 of the PODXL protein (p.Val107Met). This variant is present in population databases (rs201084731, gnomAD 0.03%). This variant has not been reported in the literature in individuals affected with PODXL-related conditions. ClinVar contains an entry for this variant (Variation ID: 2151187). An algorithm developed to predict the effect of missense changes on protein structure and function (PolyPhen-2) suggests that this variant is likely to be tolerated. In summary, the available evidence is currently insufficient to determine the role of this variant in disease. Therefore, it has been classified as a Variant of Uncertain Significance.

Ambry Genetics
Classification: Uncertain significance for Inborn genetic diseases. Last evaluated: 2024-01-17. Review status: criteria provided, single submitter. Criteria: Ambry Variant Classification Scheme 2023. Collection method: clinical testing. Allele origin: germline.